The following is an entry in ClinVar:

ClinVar aggregate classification (germline): Conflicting classifications of pathogenicity. Review status: criteria provided, conflicting classifications (1 of 4 stars). 6 submissions from 6 submitters: Uncertain significance (2); Likely benign (3). 1 of the submissions does not count toward it. Last evaluated 2026-02-02.

Conditions:
NOTCH1-related disorder. Also called: NOTCH1-related condition; NOTCH1-related disorders.
Adams-Oliver syndrome 5 (AOS5). Identifiers: Orphanet 974, MedGen C4014970, MONDO:0014459, OMIM 616028.
Familial thoracic aortic aneurysm and aortic dissection (TAAD). Also called: Thoracic aortic aneurysms and dissections. Identifiers: Orphanet 91387, MedGen C4707243, MONDO:0019625.

Allele frequency attached by ClinVar (database versions not stated): gnomAD exomes 0.00005 and 0.00014; ExAC 0.00017; 1000 Genomes Project 30x 0.00031; 1000 Genomes Project 0.00040; ESP Exome Variant Server 0.00048; gnomAD 0.00056 and 0.00061; TOPMed 0.00075.
gnomAD v4.1: 153 of 1,612,782 alleles (0.0095%); highest among the groups gnomAD compares: African/African-American, 0.19%; no homozygotes.

Submissions (6):

Labcorp Genetics (formerly Invitae), Labcorp
Classification: Likely benign for Adams-Oliver syndrome 5. Last evaluated: 2026-02-02. Review status: criteria provided, single submitter. Criteria: Invitae Variant Classification Sherloc (09022015). Collection method: clinical testing. Allele origin: germline.

Blueprint Genetics
Classification: Likely benign. Last evaluated: 2024-09-16. Review status: criteria provided, single submitter. Criteria: ACMG Guidelines, 2015. Collection method: clinical testing. Allele origin: germline.

Ambry Genetics
Classification: Likely benign for Familial thoracic aortic aneurysm and aortic dissection. Last evaluated: 2021-08-27. Review status: criteria provided, single submitter. Criteria: Ambry Variant Classification Scheme 2023. Collection method: clinical testing. Allele origin: germline.

Revvity Omics, Revvity
Classification: Uncertain significance. Last evaluated: 2019-11-25. Review status: criteria provided, single submitter. Criteria: ACMG Guidelines, 2015. Collection method: clinical testing. Allele origin: germline.

GeneDx
Classification: Uncertain significance. Last evaluated: 2017-07-13. Review status: criteria provided, single submitter. Criteria: GeneDx Variant Classification (06012015). Collection method: clinical testing. Allele origin: germline. Affected: yes.
Comment: A variant of uncertain significance has been identified in the NOTCH1 gene. The A2279V variant has not been published as pathogenic or been reported as benign to our knowledge. This variant is observed in 0.15-0.21% alleles from individuals of African ancestry in large population cohorts, indicating it may be a rare benign variant in this population (Lek et al., 2016; 1000 Genomes Consortium et al., 2015; Exome Variant Server). The A2279V variant is a conservative amino acid substitution, which is not likely to impact secondary protein structure as these residues share similar properties. This substitution occurs at a position that is only conserved in mammals. Finally, in silico analysis is inconsistent in its predictions as to whether or not the variant is damaging to the protein structure/function.

PreventionGenetics, part of Exact Sciences
Classification: Likely benign for NOTCH1-related condition. Last evaluated: 2019-10-11. Review status: no assertion criteria provided. Collection method: clinical testing. Allele origin: germline. Not counted in ClinVar's aggregate classification.
Comment: This variant is classified as likely benign based on ACMG/AMP sequence variant interpretation guidelines (Richards et al. 2015 PMID: 25741868, with internal and published modifications).

NM_017617.5(NOTCH1):c.6836C>T (p.Ala2279Val)

Gene: NOTCH1 (notch receptor 1; minus strand). Cytogenetic location: 9q34.3.
Variant type: single nucleotide variant.
Coding change: c.6836C>T on transcript NM_017617.5 (MANE Select); coding-DNA position 6836, C replaced by T.
Protein change: p.Ala2279Val; replaces alanine 2279 with valine.
Molecular consequence: missense variant.
Genome position (GRCh38, 1-based): chr9:136,496,903, G>A on the plus strand (C>T on the coding strand, the complement: NOTCH1 is on the minus strand). VCF-style: chr9-136496903-G-A. GRCh37 (hg19) VCF-style: chr9-139391355-G-A.
Other names: c.6836C>T, p.Ala2279Val (LRG_1122t1); c.6836C>T (NM_017617.4); short protein forms A2279V.
Identifiers: ClinVar variation 450491 (VCV000450491.19), dbSNP rs200370953, ClinGen allele CA5339810.
Genomic context (GRCh38, chr9:136,496,903, plus strand): 5'-CCCACAGTGAAATTCAGGGCCCCTCCGCTGCTGGAGCCCAGGACGGTGCTGGTGCCAGAG[G>A]CCACAGGCAGGTGGGAGAGACGAGGTGGGCCAGTCTCAAAGGCCAGCCGGCCGCCCCCAC-3'
Protein context (NP_060087.3, residues 2269-2289): GPPRLSHLPV[Ala2279Val]SGTSTVLGSS